The following is an entry in ClinVar:

NM_000709.4(BCKDHA):c.1234G>A (p.Val412Met)

Gene: BCKDHA (branched chain keto acid dehydrogenase E1 subunit alpha; plus strand). Cytogenetic location: 19q13.2.
Variant type: single nucleotide variant.
Coding change: c.1234G>A on transcript NM_000709.4 (MANE Select); coding-DNA position 1234, G replaced by A.
Protein change: p.Val412Met; replaces valine 412 with methionine.
Molecular consequence: missense variant.
Genome position (GRCh38, 1-based): chr19:41,424,504, G>A. VCF-style: chr19-41424504-G-A. GRCh37 (hg19) VCF-style: chr19-41930409-G-A.
Other names: c.1231G>A, p.Val411Met (NM_001164783.2); short protein forms V412M, V411M.
Identifiers: ClinVar variation 93344 (VCV000093344.35), dbSNP rs398123490, ClinGen allele CA221182.

ClinVar aggregate classification (germline): Pathogenic/Likely pathogenic. Review status: criteria provided, multiple submitters, no conflicts (2 of 4 stars). 13 submissions from 13 submitters: Pathogenic (9); Likely pathogenic (3). 1 of the submissions does not count toward it. Last evaluated 2025-12-28.

Conditions:
Inborn genetic diseases. Identifiers: MedGen C0950123, MeSH D030342.
Maple syrup urine disease type 1A (MSUD1A). Also called: MSUD type 1A. Identifiers: MedGen C1855369, MONDO:0023691, OMIM 248600.
Maple syrup urine disease (MSUD). Identifiers: Orphanet 511, MedGen C0024776, MeSH D008375, MONDO:0009563. Disease mechanism: loss of function.

Allele frequency attached by ClinVar (database versions not stated): TOPMed below 0.00001; gnomAD exomes below 0.00001; gnomAD 0.00001.
gnomAD v4.1: 5 of 1,614,008 alleles (0.00031%); highest among the groups gnomAD compares: South Asian, 0.0011%; no homozygotes.

Submissions (13):

Labcorp Genetics (formerly Invitae), Labcorp
Classification: Pathogenic for Maple syrup urine disease. Last evaluated: 2025-12-28. Review status: criteria provided, single submitter. Criteria: Invitae Variant Classification Sherloc (09022015). Collection method: clinical testing. Allele origin: germline.
Comment: This sequence change replaces valine, which is neutral and non-polar, with methionine, which is neutral and non-polar, at codon 412 of the BCKDHA protein (p.Val412Met). This variant is present in population databases (rs398123490, gnomAD 0.007%). This missense change has been observed in individual(s) with maple syrup urine disease (PMID: 17922217, 21098507, 26257134). ClinVar contains an entry for this variant (Variation ID: 93344). Invitae Evidence Modeling of protein sequence and biophysical properties (such as structural, functional, and spatial information, amino acid conservation, physicochemical variation, residue mobility, and thermodynamic stability) indicates that this missense variant is expected to disrupt BCKDHA protein function with a positive predictive value of 95%. For these reasons, this variant has been classified as Pathogenic.

Dasa
Classification: Likely pathogenic. Last evaluated: 2025-07-25. Review status: criteria provided, single submitter. Criteria: DASA Assertion Criteria. Collection method: clinical testing. Allele origin: germline.
Comment: NM_000709.4(BCKDHA):c.1234G>A (p.Val412Met) is a missense variant that results in the substitution of valine with methionine. This variant has been recurrently observed in individuals with BCKDHA-related disorders (PMID: 14517957; PMID: 17922217; PMID: 26257134; PMID: 21098507). Functional evidence supports an impact on the gene or gene product (PMID: 14517957; PMID: 17922217; PMID: 26257134; PMID: 21098507). Also, this variant is rare in population databases. Computational evidence supports a deleterious effect. Based on the currently available evidence, this variant is classified as likely pathogenic.

Natera, Inc.
Classification: Likely pathogenic for Maple syrup urine disease type 1A. Last evaluated: 2025-07-24. Review status: criteria provided, single submitter. Criteria: Natera Variant Classification Schema (03/2026). Collection method: clinical testing. Allele origin: germline.
Comment: The c.1234G>A variant in BCKDHA is a missense variant predicted to cause substitution of valine to methionine at amino acid 412. This variant is rare in the general population with a frequency below the threshold expected for the associated phenotype(s). This variant has been observed in one or more individuals affected with the associated recessive disease, as either homozygous or compound heterozygous with a second variant (PMID: 31980395, 17922217, 26257134). Functional studies show that this variant may disrupt protein function (PMID: 17922217). Computational prediction algorithms indicate this variant is likely to affect gene or protein function. Given the available evidence, this variant is classified as Likely Pathogenic.

Baylor Genetics
Classification: Pathogenic for Maple syrup urine disease type 1A. Last evaluated: 2023-09-27. Review status: criteria provided, single submitter. Criteria: ACMG Guidelines, 2015. Collection method: clinical testing. Allele origin: unknown.

Ambry Genetics
Classification: Pathogenic for Inborn genetic diseases. Last evaluated: 2022-07-18. Review status: criteria provided, single submitter. Criteria: Ambry Variant Classification Scheme 2023. Collection method: clinical testing. Allele origin: germline.
Comment: The c.1234G>A (p.V412M) alteration is located in exon 9 (coding exon 9) of the BCKDHA gene. This alteration results from a G to A substitution at nucleotide position 1234, causing the valine (V) at amino acid position 412 to be replaced by a methionine (M). Based on data from gnomAD, the A allele has an overall frequency of <0.01% (1/31384) total alleles studied. The highest observed frequency was 0.01% (1/15416) of European (non-Finnish) alleles. This alteration has been detected in the homozygous state and as compound heterozygous in trans with other pathogenic BCKDHA alterations in multiple unrelated individuals with BCKDHA-related maple syrup urine disease (Henneke, 2003; Flaschker, 2007; Brunett-Pierri, 2011; Gupta, 2015; Strauss, 2020). This amino acid position is well conserved in available vertebrate species. Based on internal structural analysis, V412M is moderately destabilizing (Li, 2007; Machius, 2006). This alteration is predicted to be deleterious by in silico analysis. Based on the available evidence, this alteration is classified as pathogenic.

Fulgent Genetics
Classification: Likely pathogenic for Maple syrup urine disease type 1A. Last evaluated: 2022-02-15. Review status: criteria provided, single submitter. Criteria: ACMG Guidelines, 2015. Collection method: clinical testing. Allele origin: unknown.

Genome-Nilou Lab
Classification: Pathogenic for Maple syrup urine disease type 1A. Last evaluated: 2021-11-07. Review status: criteria provided, single submitter. Criteria: ACMG Guidelines, 2015. Collection method: clinical testing. Allele origin: germline. Affected: no.

Women's Health and Genetics/Laboratory Corporation of America, LabCorp
Classification: Pathogenic for Maple syrup urine disease. Last evaluated: 2020-05-07. Review status: criteria provided, single submitter. Criteria: LabCorp Variant Classification Summary - May 2015. Collection method: clinical testing. Allele origin: germline.
Comment: Variant summary: BCKDHA c.1234G>A (p.Val412Met) results in a conservative amino acid change in the encoded protein sequence. Four of five in-silico tools predict a damaging effect of the variant on protein function. The variant was absent in 249364 control chromosomes. c.1234G>A has been reported in the literature in individuals affected with Maple Syrup Urine Disease (example, Henneke_2003, Flaschker_2007, Brunetti-Pierri_2011, Gupta_2015). These data indicate that the variant is very likely to be associated with disease. At least two publications report experimental evidence evaluating an impact on protein function. The most pronounced variant effect results in <10% of normal activity (example, Flaschker_2007, Brunetti-Pierri_2011). Two clinical diagnostic laboratories have submitted clinical-significance assessments for this variant to ClinVar after 2014 without evidence for independent evaluation. All laboratories classified the variant as pathogenic/likely pathogenic. Based on the evidence outlined above, the variant was classified as pathogenic.

Rady Children's Institute for Genomic Medicine, Rady Children's Hospital San Diego
Classification: Pathogenic for Maple syrup urine disease, type Ia. Last evaluated: 2019-02-05. Review status: criteria provided, single submitter. Criteria: ACMG Guidelines, 2015. Collection method: clinical testing. Allele origin: germline. Affected: yes. Observed: 1 variant allele.
Comment: This variant has been previously reported in patients with Maple Syrup Urine Disease (PMID: 14517957, 17922217, 26257134, 21098507). Functional studies showed that BCKDC enzyme activity measured on skin fibroblasts from patients that were homozygous for this variant was significantly reduced (0.26% of normal control) (PMID: 21098507). The c.1234G>A (p.Val412Met) variant is present in the heterozygous state in the gnomAD population database at a frequency of 0.003% (1/30938) and thus is presumed to be rare. This variant affects a highly conserved amino acid and is predicted by multiple in silico tools to have a deleterious effect on protein function. Based on the available evidence, the c.1234G>A (p.Val412Met) variant is classified as pathogenic.

Eurofins Ntd Llc (ga)
Classification: Pathogenic. Last evaluated: 2013-08-25. Review status: criteria provided, single submitter. Criteria: EGL Classification Definitions. Collection method: clinical testing. Allele origin: germline. Observed: 1 variant allele, 1 homozygote.

Institute of Medical Genetics and Genomics, Sir Ganga Ram Hospital
Classification: Pathogenic for Maple syrup urine disease type 1A. Last evaluated: 2011-01-01. Review status: criteria provided, single submitter. Criteria: Submitter's publication. Collection method: research. Allele origin: germline. Affected: yes. Observed: 1 variant allele.

National Newborn Screening Laboratory, Hospital Nacional de Niños
Classification: Pathogenic for Maple syrup urine disease type 1A. Review status: criteria provided, single submitter. Criteria: ACMG Guidelines, 2015. Collection method: clinical testing. Allele origin: paternal. Inheritance: Autosomal recessive inheritance. Affected: yes. Observed: 1 compound heterozygote. Segregation with disease observed.
Comment: This is a missense variant located within exon 9 and generates a change from the amino acid Valine to a Methionine in position 412. It is not present in population databases (GnomAD exomes; GnomAD genomes). This variant is associated in one publication with an individual with MSUD phenotype (PMID: 14517957).

Counsyl
Classification: Likely pathogenic for Maple syrup urine disease type 1A. Last evaluated: 2017-08-21. Review status: no assertion criteria provided. Collection method: clinical testing. Allele origin: unknown. Not counted in ClinVar's aggregate classification.

Literature cited by the submitters: PubMed 17922217 (cited by 6 submitters); PubMed 21098507 (cited by 5 submitters); PubMed 26257134 (cited by 6 submitters); PubMed 14517957 (cited by 6 submitters); PubMed 31980395 (cited by Natera, Inc. and Ambry Genetics); PubMed 16472748 (cited by Ambry Genetics); PubMed 17329260 (cited by Ambry Genetics).